The following is an entry in ClinVar:

ClinVar aggregate classification (germline): Uncertain significance. Review status: criteria provided, multiple submitters, no conflicts (2 of 4 stars). 2 submissions from 2 submitters: Uncertain significance (2). Last evaluated 2025-02-19.

Conditions:
Kabuki syndrome 2 (KABUK2). Also called: KDM6A-Related Kabuki Syndrome. Identifiers: Orphanet 2322, MedGen C3275495, MONDO:0010465, OMIM 300867.

gnomAD v4.1: 6 of 1,209,184 alleles (0.0005%); highest among the groups gnomAD compares: Non-Finnish European, 0.00067%; no homozygotes.

Submissions (2):

Labcorp Genetics (formerly Invitae), Labcorp
Classification: Uncertain significance for Kabuki syndrome 2. Last evaluated: 2025-02-19. Review status: criteria provided, single submitter. Criteria: Invitae Variant Classification Sherloc (09022015). Collection method: clinical testing. Allele origin: germline.
Comment: This sequence change replaces serine, which is neutral and polar, with threonine, which is neutral and polar, at codon 314 of the KDM6A protein (p.Ser314Thr). This variant is not present in population databases (gnomAD no frequency). This variant has not been reported in the literature in individuals affected with KDM6A-related conditions. Invitae Evidence Modeling of protein sequence and biophysical properties (such as structural, functional, and spatial information, amino acid conservation, physicochemical variation, residue mobility, and thermodynamic stability) has been performed for this missense variant. However, the output from this modeling did not meet the statistical confidence thresholds required to predict the impact of this variant on KDM6A protein function. In summary, the available evidence is currently insufficient to determine the role of this variant in disease. Therefore, it has been classified as a Variant of Uncertain Significance.

Blueprint Genetics
Classification: Uncertain significance. Last evaluated: 2024-10-02. Review status: criteria provided, single submitter. Criteria: ACMG Guidelines, 2015. Collection method: clinical testing. Allele origin: germline.

NM_001291415.2(KDM6A):c.940T>A (p.Ser314Thr)

Gene: KDM6A (lysine demethylase 6A; plus strand). Cytogenetic location: Xp11.3.
Variant type: single nucleotide variant.
Coding change: c.940T>A on transcript NM_001291415.2 (MANE Select); coding-DNA position 940, T replaced by A.
Protein change: p.Ser314Thr; replaces serine 314 with threonine.
Molecular consequence: missense variant. On other transcripts: non-coding transcript variant (1).
Genome position (GRCh38, 1-based): chrX:45,059,070, T>A. VCF-style: chrX-45059070-T-A. GRCh37 (hg19) VCF-style: chrX-44918315-T-A.
Other names: c.940T>A, p.Ser314Thr (NM_001291416.2, NM_001291417.2, NM_001291418.2 and 9 more transcripts); c.187T>A, p.Ser63Thr (NM_001291421.2); short protein forms S63T, S314T.
Identifiers: ClinVar variation 4711508 (VCV004711508.2).